The following is an entry in ClinVar:

ClinVar aggregate classification (germline): Uncertain significance (1 of 4 stars; one submission).

Conditions:
Charcot-Marie-Tooth disease type 4. Also called: Charcot-Marie-Tooth, Type 4; Charcot-Marie-Tooth disease, type IV. Identifiers: Orphanet 64749, MedGen C4082197, MONDO:0018995.

Allele frequency attached by ClinVar (database versions not stated): TOPMed below 0.00001.
gnomAD v4.1: 4 of 1,614,148 alleles (0.00025%); highest among the groups gnomAD compares: Non-Finnish European, 0.00034%; no homozygotes.

Submission:

Labcorp Genetics (formerly Invitae), Labcorp
Classification: Uncertain significance for Charcot-Marie-Tooth disease type 4. Last evaluated: 2021-08-28. Review status: criteria provided, single submitter. Criteria: Invitae Variant Classification Sherloc (09022015). Collection method: clinical testing. Allele origin: germline.
Comment: This sequence change replaces arginine with cysteine at codon 442 of the FGD4 protein (p.Arg442Cys). The arginine residue is highly conserved and there is a large physicochemical difference between arginine and cysteine. This variant is not present in population databases (ExAC no frequency). This variant has not been reported in the literature in individuals affected with FGD4-related conditions. Algorithms developed to predict the effect of missense changes on protein structure and function (SIFT, PolyPhen-2, Align-GVGD) all suggest that this variant is likely to be disruptive. In summary, the available evidence is currently insufficient to determine the role of this variant in disease. Therefore, it has been classified as a Variant of Uncertain Significance.

NM_001370298.3(FGD4):c.1735C>T (p.Arg579Cys)

Gene: FGD4 (FYVE, RhoGEF and PH domain containing 4; plus strand). Cytogenetic location: 12p11.21.
Variant type: single nucleotide variant.
Coding change: c.1735C>T on transcript NM_001370298.3 (MANE Select); coding-DNA position 1735, C replaced by T.
Protein change: p.Arg579Cys; replaces arginine 579 with cysteine.
Molecular consequence: missense variant.
Genome position (GRCh38, 1-based): chr12:32,611,269, C>T. VCF-style: chr12-32611269-C-T. GRCh37 (hg19) VCF-style: chr12-32764203-C-T.
Other names: c.1579C>T, p.Arg527Cys (NM_001304481.2); c.580C>T, p.Arg194Cys (NM_001304483.2); c.292C>T, p.Arg98Cys (NM_001304484.2); c.1045C>T, p.Arg349Cys (NM_001330373.2, NM_001330374.2, NM_001384130.1); c.772C>T, p.Arg258Cys (NM_001370297.1); c.1735C>T, p.Arg579Cys (NM_001384126.1); c.1324C>T, p.Arg442Cys (NM_001384127.1, NM_001384128.1, NM_001385118.1 and 1 more transcripts); short protein forms R258C, R98C, R349C, R442C, R194C, R527C, R579C.
Identifiers: ClinVar variation 947635 (VCV000947635.7), dbSNP rs1949117700, ClinGen allele CA384361240.